The following is an entry in ClinVar:

NM_000117.3(EMD):c.307A>G (p.Arg103Gly)

Gene: EMD (emerin; plus strand). Cytogenetic location: Xq28.
Variant type: single nucleotide variant.
Coding change: c.307A>G on transcript NM_000117.3 (MANE Select); coding-DNA position 307, A replaced by G.
Protein change: p.Arg103Gly; replaces arginine 103 with glycine.
Molecular consequence: missense variant.
Genome position (GRCh38, 1-based): chrX:154,380,275, A>G. VCF-style: chrX-154380275-A-G. GRCh37 (hg19) VCF-style: chrX-153608635-A-G.
Other names: short protein forms R103G.
Identifiers: ClinVar variation 2996157 (VCV002996157.3), dbSNP rs369096485, ClinGen allele CA337289647.
Genomic context (GRCh38, chrX:154,380,275, plus strand): 5'-CGCTGCCCCCCTTCCCAAGGCTACAATGACGACTACTATGAAGAGAGCTACTTCACCACC[A>G]GGACTTATGGGGAGCCCGAGTCTGCCGGCCCGTCCAGGGCTGTCCGCCAGTCAGTGACTT-3'
Protein context (NP_000108.1, residues 93-113): DYYEESYFTT[Arg103Gly]TYGEPESAGP

ClinVar aggregate classification (germline): Uncertain significance (1 of 4 stars; one submission).

Conditions:
X-linked Emery-Dreifuss muscular dystrophy. Also called: Muscular dystrophy, tardive Emery-Dreifuss type, with contractures. Identifiers: Orphanet 261, Orphanet 98863, MedGen C0751337, MONDO:0010680.

Allele frequency attached by ClinVar (database versions not stated): gnomAD exomes below 0.00001.

Submission:

Labcorp Genetics (formerly Invitae), Labcorp
Classification: Uncertain significance for X-linked Emery-Dreifuss muscular dystrophy. Last evaluated: 2023-02-22. Review status: criteria provided, single submitter. Criteria: Invitae Variant Classification Sherloc (09022015). Collection method: clinical testing. Allele origin: germline.
Comment: This sequence change replaces arginine, which is basic and polar, with glycine, which is neutral and non-polar, at codon 103 of the EMD protein (p.Arg103Gly). This variant is not present in population databases (gnomAD no frequency). In summary, the available evidence is currently insufficient to determine the role of this variant in disease. Therefore, it has been classified as a Variant of Uncertain Significance. Advanced modeling of protein sequence and biophysical properties (such as structural, functional, and spatial information, amino acid conservation, physicochemical variation, residue mobility, and thermodynamic stability) performed at Invitae indicates that this missense variant is not expected to disrupt EMD protein function. This variant has not been reported in the literature in individuals affected with EMD-related conditions.